The following is an entry in ClinVar:

NM_020975.6(RET):c.1146G>C (p.Gln382His)

Gene: RET (ret proto-oncogene; plus strand). Cytogenetic location: 10q11.21.
Variant type: single nucleotide variant.
Coding change: c.1146G>C on transcript NM_020975.6 (MANE Select); coding-DNA position 1146, G replaced by C.
Protein change: p.Gln382His; replaces glutamine 382 with histidine.
Molecular consequence: missense variant. On other transcripts: intron variant (18).
Genome position (GRCh38, 1-based): chr10:43,109,113, G>C. VCF-style: chr10-43109113-G-C. GRCh37 (hg19) VCF-style: chr10-43604561-G-C.
Other names: c.1017G>C, p.Gln339His (NM_001406764.1, NM_001406768.1, NM_001406761.1 and 1 more transcripts); c.1146G>C, p.Gln382His (NM_001406765.1, NM_001406743.1, NM_001406744.1 and 4 more transcripts); c.858G>C, p.Gln286His (NM_001406766.1, NM_001406767.1, NM_001406770.1); c.708G>C, p.Gln236His (NM_001406771.1, NM_001406773.1); c.420G>C, p.Gln140His (NM_001406775.1, NM_001406776.1, NM_001406777.1 and 1 more transcripts); c.626-2986G>C (NM_001406780.1, NM_001406779.1, NM_001406781.1 and 3 more transcripts); c.739-2094G>C (NM_001406774.1); c.497-2986G>C (NM_001406786.1, NM_001406783.1); and 5 more; short protein forms Q286H, Q339H, Q128H, Q140H, Q52H, Q236H, Q382H.
Identifiers: ClinVar variation 5028222 (VCV005028222.1).

ClinVar aggregate classification (germline): Uncertain significance (1 of 4 stars; one submission).

Conditions:
Hereditary cancer-predisposing syndrome. Also called: Neoplastic Syndromes, Hereditary; Tumor predisposition; Hereditary neoplastic syndrome; Hereditary Cancer Syndrome. Identifiers: Orphanet 140162, MedGen C0027672, MeSH D009386, MONDO:0015356.

Submission:

Ambry Genetics
Classification: Uncertain significance for Hereditary cancer-predisposing syndrome. Last evaluated: 2026-09-13. Review status: criteria provided, single submitter. Criteria: Ambry Variant Classification Scheme 2023. Collection method: clinical testing. Allele origin: germline.
Comment: The p.Q382H variant (also known as c.1146G>C), located in coding exon 6 of the RET gene, results from a G to C substitution at nucleotide position 1146. The glutamine at codon 382 is replaced by histidine, an amino acid with highly similar properties. This amino acid position is conserved. In addition, this alteration is predicted to be tolerated by in silico analysis. Based on the available evidence, the clinical significance of this variant remains unclear.